The following is an entry in ClinVar:

NM_000203.4(IDUA):c.1960T>G (p.Ter654Gly)

Gene: IDUA (alpha-L-iduronidase; plus strand). Cytogenetic location: 4p16.3.
Variant type: single nucleotide variant.
Coding change: c.1960T>G on transcript NM_000203.4; coding-DNA position 1960, T replaced by G.
Protein change: p.Ter654Gly.
Molecular consequence: stop lost (on NM_000203.5). On other transcripts: non-coding transcript variant (1).
Genome position (GRCh38, 1-based): chr4:1,004,391, T>G. VCF-style: chr4-1004391-T-G. GRCh37 (hg19) VCF-style: chr4-998179-T-G.
Other names: *654G; *522G; NM_000203.4(IDUA):c.1960T>G; c.1960T>G, p.Ter654Gly (NM_000203.5); c.1564T>G, p.Ter522Gly (NM_001363576.1).
Identifiers: ClinVar variation 11920 (VCV000011920.13), dbSNP rs387906504, ClinGen allele CA256121.

ClinVar aggregate classification (germline): Likely pathogenic. Review status: reviewed by expert panel (3 of 4 stars). 4 submissions from 4 submitters: Likely pathogenic (1). 3 of the submissions do not count toward it. Last evaluated 2024-12-06.

Conditions:
Mucopolysaccharidosis type 1. Also called: Mucopolysaccharidosis Type I; IDUA deficiency; MPS I. Identifiers: Orphanet 579, MedGen C0023786, MONDO:0001586.
Mucopolysaccharidosis, MPS-I-H/S. Also called: Mucopolysaccharidosis type IH/S. Identifiers: Orphanet 93476, MedGen C0086431, MONDO:0011759, OMIM 607015.

Allele frequency attached by ClinVar (database versions not stated): gnomAD exomes below 0.00001.
gnomAD v4.1: 1 of 1,610,268 alleles (0.000062%); highest among the groups gnomAD compares: Non-Finnish European, 0.000085%; no homozygotes.

Submissions (4):

ClinGen Lysosomal Storage Disorder Variant Curation Expert Panel
Classification: Likely pathogenic for Mucopolysaccharidosis type 1. Last evaluated: 2024-12-06. Review status: reviewed by expert panel. Criteria: ClinGen LSD ACMG Specifications IDUA V1.0.0. Collection method: curation. Allele origin: germline. Inheritance: Autosomal recessive inheritance.
Comment: The NM_000203.5:c.1960T>G in IDUA is a stop-loss variant, predicted to alter the stop codon (p.Ter654Gly), resulting in an increase in the length of the protein (PM1). One patient with "Hurler-Scheie" syndrome, who is compound heterozygous for the variant and another variant in IDUA that has been classified as pathogenic by the ClinGen Lysosomal Diseases VCEP, c.208C>T (p.Gln70Ter) (ClinVar Variation ID: 11909), has been reported. The variants were confirmed to be in trans (PMID: 7550232) (PM3; insufficient evidence to apply PP4). The highest population minor allele frequency in gnomAD v4.1.0 is 8.475e-7 (1/1179958 alleles) in the European non-Finnish population, which is lower than the ClinGen Lysosomal Diseases VCEP’s threshold for PM2_Supporting (<0.00025), meeting this criterion (PM2_Supporting). When the variant was expressed in COS cells, the intracellular activity of IDUA was low (negative control 1.3 (U/mg cell protein, wild type 14.5 (U/mg cell protein, variant 2.5 (U/mg cell protein), approximately 10% wild type ( PMID: 7550232). This is higher than the LD VCEP's threshold for IDUA activity for PS3_Supporting (<2%), therefore, PS3 was not applied. Other IDUA stop loss variants have been reported in patients with MPS1. One of these variants, c.1960T>C (p.Ter654Arg) (Bertola et al, PMID: 21394825; Ngiwsara et al, PMID: 29282708), has been classified as likely pathogenic by the ClinGen LD VCEP (PM5_Supporting). The other variants are c.1961A>T (p.Ter654Cys) ((Bach et al, 1993, PMID: 8328452) and c.1960T>A (p.Ter654Arg) (Thomas et al, PMID: 33301762). In summary, this variant meets the criteria to be classified as likely pathogenic for mucopolysaccharidosis type 1. IDUA-specific ACMG/AMP criteria applied, as specified by the ClinGen Lysosomal Diseases Variant Curation Expert Panel (Specifications Version 1.0.0): PM4, PM3, PM2_Supporting, PM5_Supporting. (Classification approved by the ClinGen Lysosomal Diseases Variant Curation Expert Panel on December 6, 2024)

Labcorp Genetics (formerly Invitae), Labcorp
Classification: Pathogenic for Mucopolysaccharidosis type 1. Last evaluated: 2020-08-11. Review status: criteria provided, single submitter. Criteria: Invitae Variant Classification Sherloc (09022015). Collection method: clinical testing. Allele origin: germline. Not counted in ClinVar's aggregate classification.
Comment: This sequence change disrupts the translational stop signal of the IDUA mRNA. It is expected to extend the length of the IDUA protein by 55 additional amino acid residues. For these reasons, this variant has been classified as Pathogenic. This variant results in an extension of the IDUA protein. Other variant(s) that result in a similarly extended protein product (p.*654Argext*) have been determined to be pathogenic (PMID: 29282708, 21394825). This suggests that these extensions are likely to be causative of disease. Algorithms developed to predict the effect of sequence changes on RNA splicing suggest that this variant may create or strengthen a splice site, but this prediction has not been confirmed by published transcriptional studies. This variant has been reported to affect IDUA protein function (PMID: 7550232). This variant has been observed in individual(s) with IDUA-related conditions (PMID: 7550232). In at least one individual the data is consistent with the variant being in trans (on the opposite chromosome) from a pathogenic variant. ClinVar contains an entry for this variant (Variation ID: 11920). This variant is not present in population databases (ExAC no frequency).

OMIM
Classification: Pathogenic for HURLER-SCHEIE SYNDROME. Last evaluated: 1995-01-01. Review status: no assertion criteria provided. Collection method: literature only. Allele origin: germline. Not counted in ClinVar's aggregate classification.

GeneReviews
No classification provided. Condition: Mucopolysaccharidosis type 1. Review status: no classification provided. Collection method: literature only. Allele origin: germline. Not counted in ClinVar's aggregate classification.
Comment: Variant causes attenuated MPS I; predict extension of α-L-iduronidase at the carboxyl end that may change conformation and/or stability of enzyme.

Literature cited by the submitters: PubMed 29282708 (cited by Labcorp Genetics (formerly Invitae), Labcorp); PubMed 21394825 (cited by Labcorp Genetics (formerly Invitae), Labcorp); PubMed 7550232 (cited by Labcorp Genetics (formerly Invitae), Labcorp and OMIM); PubMed 8328452 (cited by OMIM); NCBI Bookshelf NBK1162 (cited by GeneReviews).